The following is an entry in ClinVar:

ClinVar aggregate classification (germline): Pathogenic (1 of 4 stars; one submission).

Conditions:
Developmental and epileptic encephalopathy. Identifiers: MedGen C5779964, MONDO:0100620.

Submission:

Labcorp Genetics (formerly Invitae), Labcorp
Classification: Pathogenic for Early-infantile DEE. Last evaluated: 2021-11-12. Review status: criteria provided, single submitter. Criteria: Invitae Variant Classification Sherloc (09022015). Collection method: clinical testing. Allele origin: germline.
Comment: This variant is a gross deletion of the genomic region encompassing exon(s) 3-8 of the SCN8A gene. This deletion is out-of-frame, and is expected to create a premature termination codon and result in an absent or disrupted protein product. Loss-of-function variants in SCN8A are known to be pathogenic (PMID: 19254928, 32651551). For these reasons, this variant has been classified as Pathogenic. This variant has not been reported in the literature in individuals affected with SCN8A-related conditions.

Literature cited by the submitters: PubMed 19254928; PubMed 32651551.

NC_000012.12:g.(?_51684154)_(51701227_?)del

Gene: SCN8A (sodium voltage-gated channel alpha subunit 8; plus strand). Cytogenetic location: 12q13.13.
Variant type: Deletion.
Identifiers: ClinVar variation 665657 (VCV000665657.6).